The following is an entry in ClinVar:

NM_000059.4(BRCA2):c.3014T>C (p.Phe1005Ser)

Gene: BRCA2 (BRCA2 DNA repair associated; plus strand). Cytogenetic location: 13q13.1.
Variant type: single nucleotide variant.
Coding change: c.3014T>C on transcript NM_000059.4 (MANE Select); coding-DNA position 3014, T replaced by C.
Protein change: p.Phe1005Ser; replaces phenylalanine 1005 with serine.
Molecular consequence: missense variant.
Genome position (GRCh38, 1-based): chr13:32,337,369, T>C. VCF-style: chr13-32337369-T-C. GRCh37 (hg19) VCF-style: chr13-32911506-T-C.
Other names: short protein forms F1005S.
Identifiers: ClinVar variation 922831 (VCV000922831.10), dbSNP rs2072470533, ClinGen allele CA387774789.

ClinVar aggregate classification (germline): Conflicting classifications of pathogenicity. Review status: criteria provided, conflicting classifications (1 of 4 stars). 4 submissions from 4 submitters: Uncertain significance (3); Likely benign (1). Last evaluated 2025-05-28.

Conditions:
Hereditary breast ovarian cancer syndrome. Also called: BRCA1- and BRCA2-Associated Hereditary Breast and Ovarian Cancer; Hereditary breast and ovarian cancer syndrome; Hereditary breast and ovarian cancer; Hereditary breast and ovarian cancer syndrome (HBOC); Breast and ovarian cancer; Hereditary breast and/or ovarian cancer syndrome. Identifiers: Orphanet 145, MedGen C0677776, MeSH D061325, MONDO:0003582. Disease mechanism: loss of function.
Hereditary cancer-predisposing syndrome. Also called: Neoplastic Syndromes, Hereditary; Tumor predisposition; Hereditary Cancer Syndrome; Hereditary neoplastic syndrome. Identifiers: Orphanet 140162, MedGen C0027672, MeSH D009386, MONDO:0015356.

Submissions (4):

Labcorp Genetics (formerly Invitae), Labcorp
Classification: Uncertain significance for Hereditary breast ovarian cancer syndrome. Last evaluated: 2025-05-28. Review status: criteria provided, single submitter. Criteria: Invitae Variant Classification Sherloc (09022015). Collection method: clinical testing. Allele origin: germline.
Comment: This sequence change replaces phenylalanine, which is neutral and non-polar, with serine, which is neutral and polar, at codon 1005 of the BRCA2 protein (p.Phe1005Ser). This variant is not present in population databases (gnomAD no frequency). This variant has not been reported in the literature in individuals affected with BRCA2-related conditions. ClinVar contains an entry for this variant (Variation ID: 922831). Invitae Evidence Modeling of protein sequence and biophysical properties (such as structural, functional, and spatial information, amino acid conservation, physicochemical variation, residue mobility, and thermodynamic stability) indicates that this missense variant is not expected to disrupt BRCA2 protein function with a negative predictive value of 95%. In summary, the available evidence is currently insufficient to determine the role of this variant in disease. Therefore, it has been classified as a Variant of Uncertain Significance.

University of Washington Department of Laboratory Medicine, University of Washington
Classification: Likely benign for Hereditary cancer-predisposing syndrome. Last evaluated: 2023-03-23. Review status: criteria provided, single submitter. Criteria: Dines et al. (Genet Med. 2020). Collection method: curation. Allele origin: germline.
Comment: Missense variant in a coldspot region where missense variants are very unlikely to be pathogenic (PMID:31911673).

BRCA2 exon 11 coldspot. Reclassification based on statistical prior probability.

Ambry Genetics
Classification: Uncertain significance for Hereditary cancer-predisposing syndrome. Last evaluated: 2020-11-24. Review status: criteria provided, single submitter. Criteria: Ambry Variant Classification Scheme 2023. Collection method: clinical testing. Allele origin: germline.
Comment: The p.F1005S variant (also known as c.3014T>C), located in coding exon 10 of the BRCA2 gene, results from a T to C substitution at nucleotide position 3014. The phenylalanine at codon 1005 is replaced by serine, an amino acid with highly dissimilar properties. This amino acid position is well conserved in available vertebrate species. In addition, the in silico prediction for this alteration is inconclusive. Since supporting evidence is limited at this time, the clinical significance of this alteration remains unclear.

Color Diagnostics, LLC DBA Color Health
Classification: Uncertain significance for Hereditary cancer-predisposing syndrome. Last evaluated: 2019-06-06. Review status: criteria provided, single submitter. Criteria: ACMG Guidelines, 2015. Collection method: clinical testing. Allele origin: germline.